The following is an entry in ClinVar:

NM_006846.4(SPINK5):c.2061G>A (p.Gln687=)

Gene: SPINK5 (serine peptidase inhibitor Kazal type 5; plus strand). Cytogenetic location: 5q32.
Variant type: single nucleotide variant.
Coding change: c.2061G>A on transcript NM_006846.4 (MANE Select); coding-DNA position 2061, G replaced by A.
Protein change: p.Gln687=; no amino-acid change (glutamine 687 retained).
Molecular consequence: synonymous variant.
Genome position (GRCh38, 1-based): chr5:148,116,415, G>A. VCF-style: chr5-148116415-G-A. GRCh37 (hg19) VCF-style: chr5-147495978-G-A.
Other names: c.2061G>A, p.Gln687= (NM_001127698.2, NM_001127699.2).
Identifiers: ClinVar variation 378642 (VCV000378642.16), dbSNP rs36111383, ClinGen allele CA3495846.
Genomic context (GRCh38, chr5:148,116,415, plus strand): 5'-CTTTCTAATTTCCAGCCAGAAAGAAAATGAGGAAAGAAAGAGGAAAGAAGAGGAAGATCA[G>A]AGAAATGCTGCAGGACATGGTTCCAGTGGTGGTGGAGGAGGAAACACTCAGGTGAGAGCA-3'
Protein context (NP_006837.2, residues 677-697): EERKRKEEED[Gln687=]RNAAGHGSSG

ClinVar aggregate classification (germline): Benign/Likely benign. Review status: criteria provided, multiple submitters, no conflicts (2 of 4 stars). 5 submissions from 5 submitters: Benign (2); Likely benign (3). Last evaluated 2026-01-23.

Conditions:
Ichthyosis linearis circumflexa. Identifiers: MedGen C0265962, MONDO:0043106, HP:0025810.
Netherton syndrome (NETH). Also called: ERYTHRODERMA, ICHTHYOSIFORM, WITH HYPOTRICHOSIS AND HYPER-IgE; COMEL-NETHERTON SYNDROME; NETHERTON DISEASE. Identifiers: Orphanet 634, MedGen C5574950, MONDO:0009735, OMIM 256500.

Allele frequency attached by ClinVar (database versions not stated): ESP Exome Variant Server 0.00320; gnomAD 0.00336 and 0.00303; TOPMed 0.00388; gnomAD exomes 0.00031 and 0.00083; ExAC 0.00104; 1000 Genomes Project 30x 0.00390; 1000 Genomes Project 0.00419.
gnomAD v4.1: 935 of 1,614,178 alleles (0.058%); highest among the groups gnomAD compares: African/African-American, 1.1%; 4 homozygotes.

Submissions (5):

Women's Health and Genetics/Laboratory Corporation of America, LabCorp
Classification: Likely benign. Last evaluated: 2026-01-23. Review status: criteria provided, single submitter. Criteria: LabCorp Variant Classification Summary - May 2015. Collection method: clinical testing. Allele origin: germline.

Labcorp Genetics (formerly Invitae), Labcorp
Classification: Benign for Ichthyosis linearis circumflexa. Last evaluated: 2026-01-13. Review status: criteria provided, single submitter. Criteria: Invitae Variant Classification Sherloc (09022015). Collection method: clinical testing. Allele origin: germline.

Blueprint Genetics
Classification: Likely benign. Last evaluated: 2024-11-26. Review status: criteria provided, single submitter. Criteria: ACMG Guidelines, 2015. Collection method: clinical testing. Allele origin: germline.

Illumina Laboratory Services, Illumina
Classification: Benign for Netherton syndrome. Last evaluated: 2018-01-12. Review status: criteria provided, single submitter. Criteria: ICSL Variant Classification Criteria 13 December 2019. Collection method: clinical testing. Allele origin: germline.
Comment: This variant was observed in the ICSL laboratory as part of a predisposition screen in an ostensibly healthy population. It had not been previously curated by ICSL or reported in the Human Gene Mutation Database (HGMD: prior to June 1st, 2018), and was therefore a candidate for classification through an automated scoring system. Utilizing variant allele frequency, disease prevalence and penetrance estimates, and inheritance mode, an automated score was calculated to assess if this variant is too frequent to cause the disease. Based on the score and internal cut-off values, a variant classified as benign is not then subjected to further curation. The score for this variant resulted in a classification of benign for this disease.

GeneDx
Classification: Likely benign. Last evaluated: 2016-08-22. Review status: criteria provided, single submitter. Criteria: GeneDx Variant Classification (06012015). Collection method: clinical testing. Allele origin: germline. Affected: yes.
Comment: This variant is considered likely benign or benign based on one or more of the following criteria: it is a conservative change, it occurs at a poorly conserved position in the protein, it is predicted to be benign by multiple in silico algorithms, and/or has population frequency not consistent with disease.